The following is an entry in ClinVar:

NM_024407.5(NDUFS7):c.510C>T (p.Cys170=)

Gene: NDUFS7 (NADH:ubiquinone oxidoreductase core subunit S7; plus strand). Cytogenetic location: 19p13.3.
Variant type: single nucleotide variant.
Coding change: c.510C>T on transcript NM_024407.5 (MANE Select); coding-DNA position 510, C replaced by T.
Protein change: p.Cys170=; no amino-acid change (cysteine 170 retained).
Molecular consequence: synonymous variant.
Genome position (GRCh38, 1-based): chr19:1,393,296, C>T. VCF-style: chr19-1393296-C-T. GRCh37 (hg19) VCF-style: chr19-1393295-C-T.
Other names: c.510C>T (NM_024407.4); c.510C>T, p.Cys170= (NM_001363602.2).
Identifiers: ClinVar variation 1930632 (VCV001930632.22), dbSNP rs761991540, ClinGen allele CA9043418.

ClinVar aggregate classification (germline): Likely benign. Review status: criteria provided, multiple submitters, no conflicts (2 of 4 stars). 4 submissions from 4 submitters: Likely benign (3). 1 of the submissions does not count toward it. Last evaluated 2026-04-01.

Conditions:
NDUFS7-related disorder. Also called: NDUFS7-related condition.

Allele frequency attached by ClinVar (database versions not stated): ExAC 0.00009; gnomAD 0.00033.

Submissions (4):

CeGaT Center for Human Genetics Tuebingen
Classification: Likely benign. Last evaluated: 2026-04-01. Review status: criteria provided, single submitter. Criteria: CeGaT Center For Human Genetics Tuebingen Variant Classification Criteria Version 2. Collection method: clinical testing. Allele origin: germline. Affected: yes. Observed: 2 variant alleles.
Comment: NDUFS7: BP4, BP7

Labcorp Genetics (formerly Invitae), Labcorp
Classification: Likely benign. Last evaluated: 2026-01-19. Review status: criteria provided, single submitter. Criteria: Invitae Variant Classification Sherloc (09022015). Collection method: clinical testing. Allele origin: germline.

Blueprint Genetics
Classification: Likely benign. Last evaluated: 2024-11-15. Review status: criteria provided, single submitter. Criteria: ACMG Guidelines, 2015. Collection method: clinical testing. Allele origin: germline.

PreventionGenetics, part of Exact Sciences
Classification: Likely benign for NDUFS7-related condition. Last evaluated: 2019-04-26. Review status: no assertion criteria provided. Collection method: clinical testing. Allele origin: germline. Not counted in ClinVar's aggregate classification.
Comment: This variant is classified as likely benign based on ACMG/AMP sequence variant interpretation guidelines (Richards et al. 2015 PMID: 25741868, with internal and published modifications).